The following is an entry in ClinVar:

ClinVar aggregate classification (germline): Likely benign (1 of 4 stars; one submission).

Allele frequency attached by ClinVar (database versions not stated): gnomAD exomes below 0.00001; ExAC 0.00001.
gnomAD v4.1: 1 of 1,601,298 alleles (0.000062%); highest among the groups gnomAD compares: Non-Finnish European, 0.000085%; no homozygotes.

Submission:

GeneDx
Classification: Likely benign. Last evaluated: 2017-05-04. Review status: criteria provided, single submitter. Criteria: GeneDx Variant Classification (06012015). Collection method: clinical testing. Allele origin: germline. Affected: yes.
Comment: This variant is considered likely benign or benign based on one or more of the following criteria: it is a conservative change, it occurs at a poorly conserved position in the protein, it is predicted to be benign by multiple in silico algorithms, and/or has population frequency not consistent with disease.

NM_001330078.2(NRXN1):c.285C>T (p.Ile95=)

Gene: NRXN1 (neurexin 1; minus strand). Cytogenetic location: 2p16.3.
Variant type: single nucleotide variant.
Coding change: c.285C>T on transcript NM_001330078.2 (MANE Select); coding-DNA position 285, C replaced by T.
Protein change: p.Ile95=; no amino-acid change (isoleucine 95 retained).
Molecular consequence: synonymous variant.
Genome position (GRCh38, 1-based): chr2:51,027,989, G>A on the plus strand (C>T on the coding strand, the complement: NRXN1 is on the minus strand). VCF-style: chr2-51027989-G-A. GRCh37 (hg19) VCF-style: chr2-51255127-G-A.
Other names: c.285C>T, p.Ile95= (NM_001135659.3, NM_001330077.2, NM_001330079.2 and 15 more transcripts).
Identifiers: ClinVar variation 509329 (VCV000509329.1), dbSNP rs759011919, ClinGen allele CA1655531.